The following is an entry in ClinVar:

ClinVar aggregate classification (germline): Uncertain significance. Review status: criteria provided, multiple submitters, no conflicts (2 of 4 stars). 2 submissions from 2 submitters: Uncertain significance (2). Last evaluated 2024-06-05.

Conditions:
Progressive myoclonic epilepsy type 8. Identifiers: Orphanet 424027, MedGen C5190825, MONDO:0014545, OMIM 616230.

Allele frequency attached by ClinVar (database versions not stated): gnomAD exomes 0.00002 and 0.00004; ExAC 0.00003; ESP Exome Variant Server 0.00008; gnomAD 0.00012; TOPMed 0.00012.
gnomAD v4.1: 43 of 1,613,372 alleles (0.0027%); highest among the groups gnomAD compares: African/African-American, 0.029%; no homozygotes.

Submissions (2):

Ambry Genetics
Classification: Uncertain significance. Last evaluated: 2024-06-05. Review status: criteria provided, single submitter. Criteria: Ambry Variant Classification Scheme 2023. Collection method: clinical testing. Allele origin: germline.

Labcorp Genetics (formerly Invitae), Labcorp
Classification: Uncertain significance for Progressive myoclonic epilepsy type 8. Last evaluated: 2022-07-12. Review status: criteria provided, single submitter. Criteria: Invitae Variant Classification Sherloc (09022015). Collection method: clinical testing. Allele origin: germline.
Comment: This sequence change replaces alanine, which is neutral and non-polar, with valine, which is neutral and non-polar, at codon 304 of the CERS1 protein (p.Ala304Val). This variant is present in population databases (rs373927986, gnomAD 0.03%). This variant has not been reported in the literature in individuals affected with CERS1-related conditions. ClinVar contains an entry for this variant (Variation ID: 1402617). Algorithms developed to predict the effect of missense changes on protein structure and function output the following: SIFT: "Tolerated"; PolyPhen-2: "Benign"; Align-GVGD: "Class C0". The valine amino acid residue is found in multiple mammalian species, which suggests that this missense change does not adversely affect protein function. In summary, the available evidence is currently insufficient to determine the role of this variant in disease. Therefore, it has been classified as a Variant of Uncertain Significance.

NM_021267.5(CERS1):c.911C>T (p.Ala304Val)

Genes: CERS1 (ceramide synthase 1; minus strand), GDF1 (growth differentiation factor 1; minus strand). Cytogenetic location: 19p13.11.
Variant type: single nucleotide variant.
Coding change: c.911C>T on transcript NM_021267.5 (MANE Select); coding-DNA position 911, C replaced by T.
Protein change: p.Ala304Val; replaces alanine 304 with valine.
Molecular consequence: missense variant. On other transcripts: 5 prime UTR variant (1), intron variant (1).
Genome position (GRCh38, 1-based): chr19:18,879,029, G>A on the plus strand (C>T on the coding strand, the complement: CERS1 is on the minus strand). VCF-style: chr19-18879029-G-A. GRCh37 (hg19) VCF-style: chr19-18989838-G-A.
Other names: c.617C>T, p.Ala206Val (NM_001290265.2, NM_001387442.1, NM_001387443.1 and 2 more transcripts); c.911C>T, p.Ala304Val (NM_001387439.1, NM_001387440.1, NM_198207.3); c.866C>T, p.Ala289Val (NM_001387441.1); c.-412C>T (NM_001492.6); c.-313+5058C>T (NM_001387438.1); short protein forms A289V, A206V, A304V.
Identifiers: ClinVar variation 1402617 (VCV001402617.4), dbSNP rs373927986, ClinGen allele CA9318092.